The following is an entry in ClinVar:

ClinVar aggregate classification (germline): Conflicting classifications of pathogenicity. Review status: criteria provided, conflicting classifications (1 of 4 stars). 4 submissions from 4 submitters: Pathogenic (1); Likely pathogenic (1); Uncertain significance (2). Last evaluated 2026-03-19.

Conditions:
ATP7B-related disorder. Also called: ATP7B-related condition.
Wilson disease (WND). Also called: Wilson's disease. Identifiers: Orphanet 905, MedGen C0019202, MONDO:0010200, OMIM 277900. Disease mechanism: loss of function.

Allele frequency attached by ClinVar (database versions not stated): gnomAD exomes below 0.00001; TOPMed below 0.00001; gnomAD 0.00001.
gnomAD v4.1: 3 of 1,614,092 alleles (0.00019%); highest among the groups gnomAD compares: East Asian, 0.0045%; no homozygotes.

Submissions (4):

PreventionGenetics, part of Exact Sciences
Classification: Uncertain significance for ATP7B-related condition. Last evaluated: 2026-03-19. Review status: criteria provided, single submitter. Criteria: ACMG Guidelines, 2015. Collection method: clinical testing. Allele origin: germline.
Comment: The ATP7B c.2407G>A variant is predicted to result in the amino acid substitution p.Ala803Thr. This variant was reported in an individual with Wilson disease (Ohura et al. 1999. PubMed ID: 10070620). Protein modeling suggests the 803 residue would be sensitive to mutation (Table S2, Schushan et al. 2012. PubMed ID: 22692182). This variant is reported in 0.064% of alleles in individuals of East Asian descent in gnomAD. Although we suspect that this variant may be pathogenic, at this time, the clinical significance of this variant is uncertain due to the absence of conclusive functional and genetic evidence.

Labcorp Genetics (formerly Invitae), Labcorp
Classification: Likely pathogenic for Wilson disease. Last evaluated: 2025-07-07. Review status: criteria provided, single submitter. Criteria: Invitae Variant Classification Sherloc (09022015). Collection method: clinical testing. Allele origin: germline.
Comment: This sequence change replaces alanine, which is neutral and non-polar, with threonine, which is neutral and polar, at codon 803 of the ATP7B protein (p.Ala803Thr). This variant is present in population databases (no rsID available, gnomAD 0.06%). This missense change has been observed in individual(s) with Wilson disease (PMID: 12032531, 22940187). ClinVar contains an entry for this variant (Variation ID: 2679789). Invitae Evidence Modeling of protein sequence and biophysical properties (such as structural, functional, and spatial information, amino acid conservation, physicochemical variation, residue mobility, and thermodynamic stability) indicates that this missense variant is expected to disrupt ATP7B protein function with a positive predictive value of 80%. In summary, the currently available evidence indicates that the variant is pathogenic, but additional data are needed to prove that conclusively. Therefore, this variant has been classified as Likely Pathogenic.

Women's Health and Genetics/Laboratory Corporation of America, LabCorp
Classification: Uncertain significance. Last evaluated: 2024-07-10. Review status: criteria provided, single submitter. Criteria: LabCorp Variant Classification Summary - May 2015. Collection method: clinical testing. Allele origin: germline.
Comment: Variant summary: ATP7B c.2407G>A (p.Ala803Thr) results in a non-conservative amino acid change in the encoded protein sequence. Five of five in-silico tools predict a damaging effect of the variant on protein function. The variant was absent in 249576 control chromosomes. The available data on variant occurrences in the general population are insufficient to allow any conclusion about variant significance. c.2407G>A has been reported in the literature in compound heterozygous individuals affected with Wilson Disease (Ohura_1999, Nagasaka_2012). These data do not allow any conclusion about variant significance. To our knowledge, no experimental evidence demonstrating an impact on protein function has been reported. The following publications have been ascertained in the context of this evaluation (PMID: 22940187, 10070620). ClinVar contains an entry for this variant (Variation ID: 2679789). Based on the evidence outlined above, the variant was classified as uncertain significance.

Baylor Genetics
Classification: Pathogenic for Wilson disease. Last evaluated: 2023-10-09. Review status: criteria provided, single submitter. Criteria: ACMG Guidelines, 2015. Collection method: clinical testing. Allele origin: unknown.

Literature cited by the submitters: PubMed 12032531 (cited by Labcorp Genetics (formerly Invitae), Labcorp); PubMed 22940187 (cited by Labcorp Genetics (formerly Invitae), Labcorp and Women's Health and Genetics/Laboratory Corporation of America, LabCorp); PubMed 10070620 (cited by Women's Health and Genetics/Laboratory Corporation of America, LabCorp).

NM_000053.4(ATP7B):c.2407G>A (p.Ala803Thr)

Gene: ATP7B (ATPase copper transporting beta; minus strand). Cytogenetic location: 13q14.3.
Variant type: single nucleotide variant.
Coding change: c.2407G>A on transcript NM_000053.4 (MANE Select); coding-DNA position 2407, G replaced by A.
Protein change: p.Ala803Thr; replaces alanine 803 with threonine.
Molecular consequence: missense variant. On other transcripts: intron variant (1).
Genome position (GRCh38, 1-based): chr13:51,957,556, C>T on the plus strand (G>A on the coding strand, the complement: ATP7B is on the minus strand). VCF-style: chr13-51957556-C-T. GRCh37 (hg19) VCF-style: chr13-52531692-C-T.
Other names: c.2311G>A, p.Ala771Thr (NM_001406517.1, NM_001406518.1); c.2407G>A, p.Ala803Thr (NM_001406519.1, NM_001406523.1, NM_001406525.1 and 7 more transcripts); c.2263G>A, p.Ala755Thr (NM_001406520.1, NM_001406521.1, NM_001406522.1 and 1 more transcripts); c.2230G>A, p.Ala744Thr (NM_001406524.1); c.2173G>A, p.Ala725Thr (NM_001406538.1, NM_001330578.2, NM_001406527.1 and 2 more transcripts); c.1978G>A, p.Ala660Thr (NM_001406539.1); c.2155G>A, p.Ala719Thr (NM_001406540.1, NM_001330579.2, NM_001406531.1 and 1 more transcripts); c.1921G>A, p.Ala641Thr (NM_001406541.1, NM_001406542.1, NM_001406546.1 and 1 more transcripts); and 9 more; short protein forms A587T, A609T, A641T, A660T, A687T, A692T, A693T, A719T.
Identifiers: ClinVar variation 2679789 (VCV002679789.4), dbSNP rs1409618843, ClinGen allele CA388020302.